The following is an entry in ClinVar:

ClinVar aggregate classification (germline): Pathogenic/Likely pathogenic. Review status: criteria provided, multiple submitters, no conflicts (2 of 4 stars). 4 submissions from 4 submitters: Pathogenic (1); Likely pathogenic (3). Last evaluated 2025-06-06.

Conditions:
SLC4A1-related disorder. Also called: SLC4A1-related disorders; SLC4A1-related condition.

Submissions (4):

PreventionGenetics, part of Exact Sciences
Classification: Likely pathogenic for SLC4A1-related condition. Last evaluated: 2025-06-06. Review status: criteria provided, single submitter. Criteria: ACMG Guidelines, 2015. Collection method: clinical testing. Allele origin: germline.
Comment: The SLC4A1 c.515delG variant is predicted to result in a frameshift and premature protein termination (p.Gly172Valfs*2). This variant has been reported in two individuals with hereditary spherocytosis (Tole et al. 2020. PubMed ID: 32436265). This variant has not been reported in a large population database (gnomAD). Frameshift variants in SLC4A1 are expected to be pathogenic. This variant is interpreted as likely pathogenic.

Revvity Omics, Revvity
Classification: Likely pathogenic. Last evaluated: 2024-12-18. Review status: criteria provided, single submitter. Criteria: ACMG Guidelines, 2015. Collection method: clinical testing. Allele origin: germline.

ARUP Laboratories, Molecular Genetics and Genomics, ARUP Laboratories
Classification: Pathogenic. Last evaluated: 2023-12-22. Review status: criteria provided, single submitter. Criteria: ARUP Molecular Germline Variant Investigation Process 2024. Collection method: clinical testing. Allele origin: germline.
Comment: The SLC4A1 c.515del; p.Gly172ValfsTer2 variant is reported in the literature in two individuals affected with Hereditary spherocytosis (Tole 2020). This variant is also absent from the Genome Aggregation Database, indicating it is not a common polymorphism. This variant causes a frameshift by deleting a single nucleotide, so it is predicted to result in a truncated protein or mRNA subject to nonsense-mediated decay. Based on available information, this variant is considered to be pathogenic. References: Tole S et al. Genotype-phenotype correlation in children with hereditary spherocytosis. Br J Haematol. 2020 Nov. PMID: 32436265.

Mayo Clinic Laboratories, Mayo Clinic
Classification: Likely pathogenic. Last evaluated: 2022-11-22. Review status: criteria provided, single submitter. Criteria: ACMG Guidelines, 2015. Collection method: clinical testing. Allele origin: germline. Observed: 32 variant alleles.
Comment: PM2, PVS1

NM_000342.4(SLC4A1):c.515del (p.Gly172fs)

Gene: SLC4A1 (solute carrier family 4 member 1 (Diego blood group); minus strand). Cytogenetic location: 17q21.31.
Variant type: Deletion.
Coding change: c.515del on transcript NM_000342.4 (MANE Select); coding-DNA position 515, one base deleted (G; older notation c.515delG).
Protein change: p.Gly172fs; shifts the reading frame from glycine 172.
Molecular consequence: frameshift variant.
Genome position (GRCh38, 1-based): chr17:44,259,903, C deleted on the plus strand (G on the coding strand, the reverse complement: SLC4A1 is on the minus strand); the first of 6 consecutive C bases (chr17:44,259,903-44,259,908); deleting any one gives the same sequence. VCF-style (leftmost placement, unchanged base first): chr17-44259902-AC-A. GRCh37 (hg19) VCF-style: chr17-42337270-AC-A.
Other names: short protein forms G172fs.
Identifiers: ClinVar variation 2683537 (VCV002683537.4), dbSNP rs1598301457, ClinGen allele CA626125155.